The following is an entry in ClinVar:

ClinVar aggregate classification (germline): Uncertain significance. Review status: criteria provided, multiple submitters, no conflicts (2 of 4 stars). 2 submissions from 2 submitters: Uncertain significance (2). Last evaluated 2026-01-09.

Conditions:
Cardiovascular phenotype. Identifiers: MedGen CN230736.
Aortic valve disease 2 (AOVD2). Identifiers: MedGen C3542024, MONDO:0013902, OMIM 614823.

Allele frequency attached by ClinVar (database versions not stated): ExAC 0.00002; TOPMed 0.00002; gnomAD exomes 0.00005; ESP Exome Variant Server 0.00008; gnomAD 0.00001.
gnomAD v4.1: 78 of 1,613,584 alleles (0.0048%); highest among the groups gnomAD compares: Non-Finnish European, 0.0065%; no homozygotes.

Submissions (2):

Ambry Genetics
Classification: Uncertain significance for Cardiovascular phenotype. Last evaluated: 2026-01-09. Review status: criteria provided, single submitter. Criteria: Ambry Variant Classification Scheme 2023. Collection method: clinical testing. Allele origin: germline.
Comment: The p.W401C variant (also known as c.1203G>T), located in coding exon 8 of the TBX5 gene, results from a G to T substitution at nucleotide position 1203. The tryptophan at codon 401 is replaced by cysteine, an amino acid with highly dissimilar properties. This amino acid position is highly conserved in available vertebrate species. In addition, this alteration is predicted to be deleterious by in silico analysis. Based on the available evidence, the clinical significance of this variant remains unclear.

Labcorp Genetics (formerly Invitae), Labcorp
Classification: Uncertain significance for Aortic valve disease 2. Last evaluated: 2025-10-18. Review status: criteria provided, single submitter. Criteria: Invitae Variant Classification Sherloc (09022015). Collection method: clinical testing. Allele origin: germline.
Comment: This sequence change replaces tryptophan, which is neutral and slightly polar, with cysteine, which is neutral and slightly polar, at codon 401 of the TBX5 protein (p.Trp401Cys). This variant is present in population databases (rs377649723, gnomAD 0.004%). This variant has not been reported in the literature in individuals affected with TBX5-related conditions. ClinVar contains an entry for this variant (Variation ID: 2724912). Invitae Evidence Modeling of protein sequence and biophysical properties (such as structural, functional, and spatial information, amino acid conservation, physicochemical variation, residue mobility, and thermodynamic stability) indicates that this missense variant is not expected to disrupt TBX5 protein function with a negative predictive value of 80%. In summary, the available evidence is currently insufficient to determine the role of this variant in disease. Therefore, it has been classified as a Variant of Uncertain Significance.

NM_181486.4(TBX5):c.1203G>T (p.Trp401Cys)

Gene: TBX5 (T-box transcription factor 5; minus strand). Cytogenetic location: 12q24.21.
Variant type: single nucleotide variant.
Coding change: c.1203G>T on transcript NM_181486.4 (MANE Select); coding-DNA position 1203, G replaced by T.
Protein change: p.Trp401Cys; replaces tryptophan 401 with cysteine.
Molecular consequence: missense variant.
Genome position (GRCh38, 1-based): chr12:114,355,886, C>A on the plus strand (G>T on the coding strand, the complement: TBX5 is on the minus strand). VCF-style: chr12-114355886-C-A. GRCh37 (hg19) VCF-style: chr12-114793691-C-A.
Other names: c.1203G>T, p.Trp401Cys (NM_000192.3); c.1053G>T, p.Trp351Cys (NM_080717.4); short protein forms W351C, W401C.
Identifiers: ClinVar variation 2724912 (VCV002724912.4), dbSNP rs377649723, ClinGen allele CA6809383.